The following is an entry in ClinVar:

NM_002473.6(MYH9):c.4922G>T (p.Arg1641Leu)

Gene: MYH9 (myosin heavy chain 9; minus strand). Cytogenetic location: 22q12.3.
Variant type: single nucleotide variant.
Coding change: c.4922G>T on transcript NM_002473.6 (MANE Select); coding-DNA position 4922, G replaced by T.
Protein change: p.Arg1641Leu; replaces arginine 1641 with leucine.
Molecular consequence: missense variant.
Genome position (GRCh38, 1-based): chr22:36,288,262, C>A on the plus strand (G>T on the coding strand, the complement: MYH9 is on the minus strand). VCF-style: chr22-36288262-C-A. GRCh37 (hg19) VCF-style: chr22-36684308-C-A.
Other names: short protein forms R1641L.
Identifiers: ClinVar variation 1809975 (VCV001809975.1), dbSNP rs2517952483, ClinGen allele CA411375455.
Genomic context (GRCh38, chr22:36,288,262, plus strand): 5'-TGGCTCAGTCGGGTGCCGCCCACCCTCACCTGGGCCCCGCCCACCCTTACCTGCAGCTTC[C>A]GCAGCTGTTTGATGGCTTCGTCCCGGTTCTTGTTGGCCGAGTCGATGTGCGCCTCCAGGT-3'
Protein context (NP_002464.1, residues 1631-1651): KNRDEAIKQL[Arg1641Leu]KLQAQMKDCM

ClinVar aggregate classification (germline): Uncertain significance (1 of 4 stars; one submission).

Submission:

GeneDx
Classification: Uncertain significance. Last evaluated: 2022-06-27. Review status: criteria provided, single submitter. Criteria: GeneDx Variant Classification Process June 2021. Collection method: clinical testing. Allele origin: germline. Affected: yes.
Comment: Not observed at significant frequency in large population cohorts (gnomAD); In silico analysis supports that this missense variant has a deleterious effect on protein structure/function; Has not been previously published as pathogenic or benign to our knowledge